The following is an entry in ClinVar:

ClinVar aggregate classification (germline): Uncertain significance. Review status: criteria provided, multiple submitters, no conflicts (2 of 4 stars). 3 submissions from 3 submitters: Uncertain significance (3). Last evaluated 2024-01-12.

Conditions:
Glycogen storage disease due to phosphoglycerate kinase 1 deficiency. Also called: PHOSPHOGLYCERATE KINASE 1 DEFICIENCY WITH LEVO-DOPA-RESPONSIVE PARKINSONISM; PGK1 DEFICIENCY. Identifiers: Orphanet 713, MedGen C1970848, MONDO:0010392, OMIM 300653.

Submissions (3):

Fulgent Genetics
Classification: Uncertain significance for Glycogen storage disease due to phosphoglycerate kinase 1 deficiency. Last evaluated: 2024-01-12. Review status: criteria provided, single submitter. Criteria: ACMG Guidelines, 2015. Collection method: clinical testing. Allele origin: germline.

GeneDx
Classification: Uncertain significance. Last evaluated: 2023-12-15. Review status: criteria provided, single submitter. Criteria: GeneDx Variant Classification Process June 2021. Collection method: clinical testing. Allele origin: germline. Affected: yes.
Comment: In silico analysis supports that this missense variant has a deleterious effect on protein structure/function; Not observed at significant frequency in large population cohorts (gnomAD); Has not been previously published as pathogenic or benign to our knowledge

Labcorp Genetics (formerly Invitae), Labcorp
Classification: Uncertain significance. Last evaluated: 2023-10-05. Review status: criteria provided, single submitter. Criteria: Invitae Variant Classification Sherloc (09022015). Collection method: clinical testing. Allele origin: germline.
Comment: This sequence change replaces serine, which is neutral and polar, with asparagine, which is neutral and polar, at codon 399 of the PGK1 protein (p.Ser399Asn). This variant is not present in population databases (gnomAD no frequency). This variant has not been reported in the literature in individuals affected with PGK1-related conditions. Advanced modeling of protein sequence and biophysical properties (such as structural, functional, and spatial information, amino acid conservation, physicochemical variation, residue mobility, and thermodynamic stability) performed at Invitae indicates that this missense variant is expected to disrupt PGK1 protein function. In summary, the available evidence is currently insufficient to determine the role of this variant in disease. Therefore, it has been classified as a Variant of Uncertain Significance.

NM_000291.4(PGK1):c.1196G>A (p.Ser399Asn)

Gene: PGK1 (phosphoglycerate kinase 1; plus strand). Cytogenetic location: Xq21.1.
Variant type: single nucleotide variant.
Coding change: c.1196G>A on transcript NM_000291.4 (MANE Select); coding-DNA position 1196, G replaced by A.
Protein change: p.Ser399Asn; replaces serine 399 with asparagine.
Molecular consequence: missense variant.
Genome position (GRCh38, 1-based): chrX:78,125,408, G>A. VCF-style: chrX-78125408-G-A. GRCh37 (hg19) VCF-style: chrX-77380905-G-A.
Other names: short protein forms S399N.
Identifiers: ClinVar variation 2793998 (VCV002793998.4), dbSNP rs2078377909, ClinGen allele CA413718638.